The following is an entry in ClinVar:

NM_001197104.2(KMT2A):c.761A>G (p.Lys254Arg)

Gene: KMT2A (lysine methyltransferase 2A; plus strand). Cytogenetic location: 11q23.3.
Variant type: single nucleotide variant.
Coding change: c.761A>G on transcript NM_001197104.2 (MANE Select); coding-DNA position 761, A replaced by G.
Protein change: p.Lys254Arg; replaces lysine 254 with arginine.
Molecular consequence: missense variant.
Genome position (GRCh38, 1-based): chr11:118,471,920, A>G. VCF-style: chr11-118471920-A-G. GRCh37 (hg19) VCF-style: chr11-118342635-A-G.
Other names: c.860A>G, p.Lys287Arg (NM_001412597.1); c.761A>G, p.Lys254Arg (NM_005933.4); short protein forms K287R, K254R.
Identifiers: ClinVar variation 2900526 (VCV002900526.3), dbSNP rs2496793029, ClinGen allele CA382807765.

ClinVar aggregate classification (germline): Uncertain significance (1 of 4 stars; one submission).

Submission:

Labcorp Genetics (formerly Invitae), Labcorp
Classification: Uncertain significance. Last evaluated: 2022-11-18. Review status: criteria provided, single submitter. Criteria: Invitae Variant Classification Sherloc (09022015). Collection method: clinical testing. Allele origin: germline.
Comment: In summary, the available evidence is currently insufficient to determine the role of this variant in disease. Therefore, it has been classified as a Variant of Uncertain Significance. Advanced modeling of protein sequence and biophysical properties (such as structural, functional, and spatial information, amino acid conservation, physicochemical variation, residue mobility, and thermodynamic stability) has been performed at Invitae for this missense variant, however the output from this modeling did not meet the statistical confidence thresholds required to predict the impact of this variant on KMT2A protein function. This variant has not been reported in the literature in individuals affected with KMT2A-related conditions. This variant is not present in population databases (gnomAD no frequency). This sequence change replaces lysine, which is basic and polar, with arginine, which is basic and polar, at codon 254 of the KMT2A protein (p.Lys254Arg).